The following is an entry in ClinVar:

ClinVar aggregate classification (germline): Uncertain significance. Review status: criteria provided, multiple submitters, no conflicts (2 of 4 stars). 2 submissions from 2 submitters: Uncertain significance (2). Last evaluated 2025-12-02.

Conditions:
Hereditary spastic paraplegia 57. Also called: Spastic paraplegia 57, autosomal recessive. Identifiers: Orphanet 431329, MedGen C3714897, MONDO:0014295, OMIM 615658.
Hereditary motor and sensory neuropathy, Okinawa type (HMSNO). Also called: HEREDITARY MOTOR AND SENSORY NEUROPATHY, PROXIMAL TYPE. Identifiers: Orphanet 90117, MedGen C1858338, MONDO:0011468, OMIM 604484.

Allele frequency attached by ClinVar (database versions not stated): gnomAD exomes below 0.00001 and 0.00001; ExAC 0.00001.
gnomAD v4.1: 5 of 1,613,476 alleles (0.00031%); highest among the groups gnomAD compares: Non-Finnish European, 0.00042%; no homozygotes.

Submissions (2):

Labcorp Genetics (formerly Invitae), Labcorp
Classification: Uncertain significance for Hereditary motor and sensory neuropathy, Okinawa type; Hereditary spastic paraplegia 57. Last evaluated: 2025-12-02. Review status: criteria provided, single submitter. Criteria: Invitae Variant Classification Sherloc (09022015). Collection method: clinical testing. Allele origin: germline.
Comment: This sequence change replaces asparagine, which is neutral and polar, with serine, which is neutral and polar, at codon 114 of the TFG protein (p.Asn114Ser). This variant is present in population databases (rs752292956, gnomAD 0.0009%). This variant has not been reported in the literature in individuals affected with TFG-related conditions. ClinVar contains an entry for this variant (Variation ID: 1423168). Invitae Evidence Modeling of protein sequence and biophysical properties (such as structural, functional, and spatial information, amino acid conservation, physicochemical variation, residue mobility, and thermodynamic stability) indicates that this missense variant is not expected to disrupt TFG protein function with a negative predictive value of 80%. In summary, the available evidence is currently insufficient to determine the role of this variant in disease. Therefore, it has been classified as a Variant of Uncertain Significance.

CeGaT Center for Human Genetics Tuebingen
Classification: Uncertain significance. Last evaluated: 2023-10-01. Review status: criteria provided, single submitter. Criteria: CeGaT Center For Human Genetics Tuebingen Variant Classification Criteria Version 2. Collection method: clinical testing. Allele origin: germline. Affected: yes. Observed: 1 variant allele.
Comment: TFG: PM2

NM_006070.6(TFG):c.341A>G (p.Asn114Ser)

Gene: TFG (trafficking from ER to golgi regulator; plus strand). Cytogenetic location: 3q12.2.
Variant type: single nucleotide variant.
Coding change: c.341A>G on transcript NM_006070.6 (MANE Select); coding-DNA position 341, A replaced by G.
Protein change: p.Asn114Ser; replaces asparagine 114 with serine.
Molecular consequence: missense variant.
Genome position (GRCh38, 1-based): chr3:100,728,784, A>G. VCF-style: chr3-100728784-A-G. GRCh37 (hg19) VCF-style: chr3-100447628-A-G.
Other names: c.341A>G, p.Asn114Ser (NM_001007565.2, NM_001195478.2, NM_001195479.2); short protein forms N114S.
Identifiers: ClinVar variation 1423168 (VCV001423168.31), dbSNP rs752292956, ClinGen allele CA2517054.